The following is an entry in ClinVar:

ClinVar aggregate classification (germline): Uncertain significance (1 of 4 stars; one submission).

Submission:

CeGaT Center for Human Genetics Tuebingen
Classification: Uncertain significance. Last evaluated: 2023-06-01. Review status: criteria provided, single submitter. Criteria: CeGaT Center For Human Genetics Tuebingen Variant Classification Criteria Version 2. Collection method: clinical testing. Allele origin: germline. Affected: yes. Observed: 1 variant allele.
Comment: MSH6: PM2, PP3

NM_000179.3(MSH6):c.3997_4001+63dup

Gene: MSH6 (mutS homolog 6; plus strand). Cytogenetic location: 2p16.3.
Variant type: Duplication.
Coding change: c.3997_4001+63dup on transcript NM_000179.3 (MANE Select); coding-DNA position 3997 through 63 bases into the intron after coding-DNA position 4001, 68 bases duplicated.
Molecular consequence: splice donor variant. On other transcripts: intron variant (1).
Genome position (GRCh38, 1-based): chr2:47,806,647-47,806,714, 68 bases duplicated. GRCh37 (hg19): chr2:48,033,786-48,033,853.
Other names: c.3898-132_3898-65dup (NM_001406802.1); c.4003_4007+63dup (NM_001406813.1); c.3472_3476+63dup (NM_001406807.1, NM_001406799.1, NM_001406806.1); c.3091_3095+63dup (NM_001406814.1, NM_001281493.2, NM_001406812.1 and 6 more transcripts); c.3997_4001+63dup (NM_001406808.1, NM_001406809.1, NM_001406796.1); c.*18_*22+63dup (NM_001406800.1); c.3823_3827+63dup (NM_001406798.1); c.3133_3137+63dup (NM_001406803.1); and 9 more.
Identifiers: ClinVar variation 2650883 (VCV002650883.24), dbSNP rs2530879219, ClinGen allele CA2695200542.